The following is an entry in ClinVar:

ClinVar aggregate classification (germline): Likely benign. Review status: criteria provided, multiple submitters, no conflicts (2 of 4 stars). 3 submissions from 3 submitters: Likely benign (3). Last evaluated 2026-02-19.

Conditions:
Charcot-Marie-Tooth disease, type I (CMT1). Also called: Charcot-Marie-Tooth, Type 1; Charcot-Marie-Tooth disease type 1. Identifiers: Orphanet 65753, MedGen C0751036, MONDO:0019011.
EGR2-related disorder. Also called: EGR2-related condition.
Inborn genetic diseases. Identifiers: MedGen C0950123, MeSH D030342.

Allele frequency attached by ClinVar (database versions not stated): ExAC 0.00003; gnomAD exomes 0.00003 and 0.00005; gnomAD 0.00005; TOPMed 0.00005; ESP Exome Variant Server 0.00008.
gnomAD v4.1: 49 of 1,613,864 alleles (0.003%); highest among the groups gnomAD compares: Middle Eastern, 0.016%; no homozygotes.

Submissions (3):

PreventionGenetics, part of Exact Sciences
Classification: Likely benign for EGR2-related condition. Last evaluated: 2026-02-19. Review status: criteria provided, single submitter. Criteria: ACMG Guidelines, 2015. Collection method: clinical testing. Allele origin: germline.
Comment: This variant is classified as likely benign based on ACMG/AMP sequence variant interpretation guidelines (Richards et al. 2015 PMID: 25741868, with internal and published modifications).

Labcorp Genetics (formerly Invitae), Labcorp
Classification: Likely benign for Charcot-Marie-Tooth disease, type I. Last evaluated: 2025-04-29. Review status: criteria provided, single submitter. Criteria: Invitae Variant Classification Sherloc (09022015). Collection method: clinical testing. Allele origin: germline.

Ambry Genetics
Classification: Likely benign for Inborn genetic diseases. Last evaluated: 2019-07-11. Review status: criteria provided, single submitter. Criteria: Ambry Variant Classification Scheme 2023. Collection method: clinical testing. Allele origin: germline.

NM_000399.5(EGR2):c.540C>T (p.Asp180=)

Gene: EGR2 (early growth response 2; minus strand). Cytogenetic location: 10q21.3.
Variant type: single nucleotide variant.
Coding change: c.540C>T on transcript NM_000399.5 (MANE Select); coding-DNA position 540, C replaced by T.
Protein change: p.Asp180=; no amino-acid change (aspartic acid 180 retained).
Molecular consequence: synonymous variant.
Genome position (GRCh38, 1-based): chr10:62,814,098, G>A on the plus strand (C>T on the coding strand, the complement: EGR2 is on the minus strand). VCF-style: chr10-62814098-G-A. GRCh37 (hg19) VCF-style: chr10-64573858-G-A.
Other names: c.540C>T, p.Asp180= (NM_001136177.3, NM_001136178.2); c.390C>T, p.Asp130= (NM_001136179.3, NM_001321037.2); c.540C>T (NM_000399.4).
Identifiers: ClinVar variation 531705 (VCV000531705.14), dbSNP rs200913249, ClinGen allele CA5517261.